The following is an entry in ClinVar:

NM_001130144.3(LTBP3):c.1476G>T (p.Gln492His)

Gene: LTBP3 (latent transforming growth factor beta binding protein 3; minus strand). Cytogenetic location: 11q13.1.
Variant type: single nucleotide variant.
Coding change: c.1476G>T on transcript NM_001130144.3 (MANE Select); coding-DNA position 1476, G replaced by T.
Protein change: p.Gln492His; replaces glutamine 492 with histidine.
Molecular consequence: missense variant.
Genome position (GRCh38, 1-based): chr11:65,552,027, C>A on the plus strand (G>T on the coding strand, the complement: LTBP3 is on the minus strand). VCF-style: chr11-65552027-C-A. GRCh37 (hg19) VCF-style: chr11-65319498-C-A.
Other names: c.1125G>T, p.Gln375His (NM_001164266.1); c.1476G>T, p.Gln492His (NM_021070.4); short protein forms Q492H, Q375H.
Identifiers: ClinVar variation 3705546 (VCV003705546.2).

ClinVar aggregate classification (germline): Uncertain significance (1 of 4 stars; one submission).

Conditions:
Brachyolmia-amelogenesis imperfecta syndrome. Also called: PLATYSPONDYLY WITH AMELOGENESIS IMPERFECTA; Tooth agenesis, selective, 6; Dental anomalies and short stature. Identifiers: Orphanet 2899, MedGen C1832594, MONDO:0011018, OMIM 601216. Disease mechanism: loss of function.

gnomAD v4.1: 6 of 1,614,046 alleles (0.00037%); highest among the groups gnomAD compares: Admixed American, 0.01%; no homozygotes.

Submission:

Labcorp Genetics (formerly Invitae), Labcorp
Classification: Uncertain significance for Brachyolmia-amelogenesis imperfecta syndrome. Last evaluated: 2024-05-14. Review status: criteria provided, single submitter. Criteria: Invitae Variant Classification Sherloc (09022015). Collection method: clinical testing. Allele origin: germline.
Comment: This sequence change replaces glutamine, which is neutral and polar, with histidine, which is basic and polar, at codon 492 of the LTBP3 protein (p.Gln492His). This variant is present in population databases (rs762703176, gnomAD 0.02%). This variant has not been reported in the literature in individuals affected with LTBP3-related conditions. An algorithm developed to predict the effect of missense changes on protein structure and function (PolyPhen-2) suggests that this variant is likely to be tolerated. In summary, the available evidence is currently insufficient to determine the role of this variant in disease. Therefore, it has been classified as a Variant of Uncertain Significance.